The following is an entry in ClinVar:

ClinVar aggregate classification (germline): Uncertain significance (1 of 4 stars; one submission).

Conditions:
BBS9-related disorder. Also called: BBS9-related condition.

gnomAD v4.1: 5 of 1,613,568 alleles (0.00031%); highest among the groups gnomAD compares: Non-Finnish European, 0.00042%; no homozygotes.

Submission:

PreventionGenetics, part of Exact Sciences
Classification: Uncertain significance for BBS9-related condition. Last evaluated: 2024-12-12. Review status: criteria provided, single submitter. Criteria: ACMG Guidelines, 2015. Collection method: clinical testing. Allele origin: germline.
Comment: The BBS9 c.732A>T variant is predicted to result in the amino acid substitution p.Gln244His. To our knowledge, this variant has not been reported in the literature. This variant is reported in 0.00088% of alleles in individuals of European (non-Finnish) descent in gnomAD. At this time, the clinical significance of this variant is uncertain due to the absence of conclusive functional and genetic evidence.

NM_198428.3(BBS9):c.732A>T (p.Gln244His)

Gene: BBS9 (Bardet-Biedl syndrome 9; plus strand). Cytogenetic location: 7p14.3.
Variant type: single nucleotide variant.
Coding change: c.732A>T on transcript NM_198428.3 (MANE Select); coding-DNA position 732, A replaced by T.
Protein change: p.Gln244His; replaces glutamine 244 with histidine.
Molecular consequence: missense variant. On other transcripts: non-coding transcript variant (3).
Genome position (GRCh38, 1-based): chr7:33,273,041, A>T. VCF-style: chr7-33273041-A-T. GRCh37 (hg19) VCF-style: chr7-33312653-A-T.
Other names: c.732A>T, p.Gln244His (NM_001033604.2, NM_001033605.2, NM_001348036.1 and 5 more transcripts); c.366A>T, p.Gln122His (NM_001348037.3, NM_001348044.3, NM_001348045.3 and 1 more transcripts); c.459A>T, p.Gln153His (NM_001348038.3, NM_001348039.3); c.597A>T, p.Gln199His (NM_001348042.3); short protein forms Q122H, Q153H, Q244H, Q199H.
Identifiers: ClinVar variation 5000847 (VCV005000847.1).
Genomic context (GRCh38, chr7:33,273,041, plus strand): 5'-AACTAAATTGATATTGAGTTTTGCTTTGTAGGTGGATTGGACTCTAAATATTGGAGAGCA[A>T]GCCCTTGACATATGTATTGTCTCTTTCAATCAGTCGGCATCCTCTGTTTTTGTTCTTGGT-3'
Protein context (NP_940820.1, residues 234-254): VVDWTLNIGE[Gln244His]ALDICIVSFN